The following is an entry in ClinVar:

ClinVar aggregate classification (germline): Benign (1 of 4 stars; one submission).

Allele frequency attached by ClinVar (database versions not stated): 1000 Genomes Project 0.00359; 1000 Genomes Project 30x 0.00359; ESP Exome Variant Server 0.00818; gnomAD 0.00859; TOPMed 0.00969; gnomAD exomes 0.01161; ExAC 0.01820.
gnomAD v4.1: 17,675 of 1,570,000 alleles (1.1%); highest among the groups gnomAD compares: Non-Finnish European, 1.4%; 125 homozygotes.

Submission:

CeGaT Center for Human Genetics Tuebingen
Classification: Benign. Last evaluated: 2026-08-01. Review status: criteria provided, single submitter. Criteria: CeGaT Center For Human Genetics Tuebingen Variant Classification Criteria Version 2. Collection method: clinical testing. Allele origin: germline. Affected: yes. Observed: 8 variant alleles.
Comment: PDF: BP4, BP7, BS1, BS2

NM_022341.2(PDF):c.492C>T (p.Arg164=)

Genes: PDF (peptide deformylase, mitochondrial; minus strand), COG8 (component of oligomeric golgi complex 8; minus strand). Cytogenetic location: 16q22.1.
Variant type: single nucleotide variant.
Coding change: c.492C>T on transcript NM_022341.2 (MANE Select); coding-DNA position 492, C replaced by T.
Protein change: p.Arg164=; no amino-acid change (arginine 164 retained).
Molecular consequence: synonymous variant. On other transcripts: intron variant (7).
Genome position (GRCh38, 1-based): chr16:69,330,079, G>A on the plus strand (C>T on the coding strand, the complement: PDF is on the minus strand). VCF-style: chr16-69330079-G-A. GRCh37 (hg19) VCF-style: chr16-69363982-G-A.
Other names: c.1414-900C>T (NM_001379266.1); c.1583-900C>T (NM_001379265.1); c.1759+840C>T (NM_001379262.1); c.*23+737C>T (NM_001379264.1); c.*26+734C>T (NM_032382.5, NM_001379263.1, NM_001379261.1).
Identifiers: ClinVar variation 2646672 (VCV002646672.24), dbSNP rs138307515, ClinGen allele CA8133510.